The following is an entry in ClinVar:

NM_004408.4(DNM1):c.2486C>T (p.Pro829Leu)

Genes: DNM1 (dynamin 1; plus strand), LOC130002699 (ATAC-STARR-seq lymphoblastoid silent region 20333; plus strand). Cytogenetic location: 9q34.11.
Variant type: single nucleotide variant.
Coding change: c.2486C>T on transcript NM_004408.4 (MANE Select); coding-DNA position 2486, C replaced by T.
Protein change: p.Pro829Leu; replaces proline 829 with leucine.
Molecular consequence: missense variant.
Genome position (GRCh38, 1-based): chr9:128,250,892, C>T. VCF-style: chr9-128250892-C-T. GRCh37 (hg19) VCF-style: chr9-131013171-C-T.
Other names: c.2486C>T, p.Pro829Leu (NM_001005336.3, NM_001288737.2, NM_001288738.2 and 2 more transcripts); short protein forms P829L.
Identifiers: ClinVar variation 2727721 (VCV002727721.3), dbSNP rs1344664960, ClinGen allele CA375001936.

ClinVar aggregate classification (germline): Uncertain significance (1 of 4 stars; one submission).

Conditions:
Developmental and epileptic encephalopathy, 31A. Also called: Epileptic encephalopathy, early infantile, 31; Developmental and epileptic encephalopathy, 31. Identifiers: Orphanet 2382, MedGen C4225357, MONDO:0014598, OMIM 616346.

Allele frequency attached by ClinVar (database versions not stated): 1000 Genomes Project 30x 0.00016.

Submission:

Labcorp Genetics (formerly Invitae), Labcorp
Classification: Uncertain significance for Developmental and epileptic encephalopathy, 31A. Last evaluated: 2024-12-07. Review status: criteria provided, single submitter. Criteria: Invitae Variant Classification Sherloc (09022015). Collection method: clinical testing. Allele origin: germline.
Comment: This sequence change replaces proline, which is neutral and non-polar, with leucine, which is neutral and non-polar, at codon 829 of the DNM1 protein (p.Pro829Leu). The frequency data for this variant in the population databases is considered unreliable, as metrics indicate poor data quality at this position in the gnomAD database. This variant has not been reported in the literature in individuals affected with DNM1-related conditions. ClinVar contains an entry for this variant (Variation ID: 2727721). Invitae Evidence Modeling of protein sequence and biophysical properties (such as structural, functional, and spatial information, amino acid conservation, physicochemical variation, residue mobility, and thermodynamic stability) indicates that this missense variant is not expected to disrupt DNM1 protein function with a negative predictive value of 95%. In summary, the available evidence is currently insufficient to determine the role of this variant in disease. Therefore, it has been classified as a Variant of Uncertain Significance.